The following is an entry in ClinVar:

NM_000925.4(PDHB):c.97-218A>G

Gene: PDHB (pyruvate dehydrogenase E1 subunit beta; minus strand). Cytogenetic location: 3p14.3.
Variant type: single nucleotide variant.
Coding change: c.97-218A>G on transcript NM_000925.4 (MANE Select); 218 bases into the intron before coding-DNA position 97, A replaced by G.
Molecular consequence: intron variant.
Genome position (GRCh38, 1-based): chr3:58,432,202, T>C on the plus strand (A>G on the coding strand, the complement: PDHB is on the minus strand). VCF-style: chr3-58432202-T-C. GRCh37 (hg19) VCF-style: chr3-58417929-T-C.
Other names: c.43-218A>G (NM_001315536.2); c.97-218A>G (NM_001173468.2).
Identifiers: ClinVar variation 683408 (VCV000683408.2), dbSNP rs11130641, ClinGen allele CA15252099.
Genomic context (GRCh38, chr3:58,432,202, plus strand): 5'-CTATTACACATAGTTGGTCTTTGCATGTGTTAATGTACTGAGTGCTCACTAGGTGCCAAG[T>C]ACTGCCAAATACTTTGCATCCAGAATGTAGGAGTTGCTCTTTTAATATAATGAATGGTAA-3'

ClinVar aggregate classification (germline): Benign. Review status: criteria provided, multiple submitters, no conflicts (2 of 4 stars). 2 submissions from 2 submitters: Benign (2). Last evaluated 2018-06-14.

Allele frequency attached by ClinVar (database versions not stated): TOPMed 0.72765; gnomAD 0.72996 and 0.73431; 1000 Genomes Project 30x 0.74079; 1000 Genomes Project 0.74181; gnomAD exomes 0.78175.
gnomAD v4.1: 437,999 of 569,488 alleles (77%); highest among the groups gnomAD compares: South Asian, 80%; 169,319 homozygotes.

Submissions (2):

GeneDx
Classification: Benign. Last evaluated: 2018-06-14. Review status: criteria provided, single submitter. Criteria: GeneDx Variant Classification (06012015). Collection method: clinical testing. Allele origin: germline. Affected: yes.
Comment: This variant is considered likely benign or benign based on one or more of the following criteria: it is a conservative change, it occurs at a poorly conserved position in the protein, it is predicted to be benign by multiple in silico algorithms, and/or has population frequency not consistent with disease.

Breakthrough Genomics
Classification: Benign. Review status: criteria provided, single submitter. Criteria: ACMG Guidelines, 2015. Collection method: not provided. Allele origin: germline. Inheritance: Autosomal recessive inheritance. Affected: yes.